The following is an entry in ClinVar:

NM_025193.4(HSD3B7):c.315C>T (p.Asn105=)

Gene: HSD3B7 (hydroxy-delta-5-steroid dehydrogenase, 3 beta- and steroid delta-isomerase 7; plus strand). Cytogenetic location: 16p11.2.
Variant type: single nucleotide variant.
Coding change: c.315C>T on transcript NM_025193.4 (MANE Select); coding-DNA position 315, C replaced by T.
Protein change: p.Asn105=; no amino-acid change (asparagine 105 retained).
Molecular consequence: synonymous variant.
Genome position (GRCh38, 1-based): chr16:30,986,197, C>T. VCF-style: chr16-30986197-C-T. GRCh37 (hg19) VCF-style: chr16-30997518-C-T.
Other names: c.315C>T, p.Asn105= (NM_001142777.2, NM_001142778.2).
Identifiers: ClinVar variation 3353149 (VCV003353149.1).

ClinVar aggregate classification (germline): Likely benign (0 of 4 stars; one submission).

Conditions:
HSD3B7-related disorder. Also called: HSD3B7-related condition.

gnomAD v4.1: 42 of 1,613,930 alleles (0.0026%); highest among the groups gnomAD compares: Non-Finnish European, 0.0031%; no homozygotes.

Submission:

PreventionGenetics, part of Exact Sciences
Classification: Likely benign for HSD3B7-related condition. Last evaluated: 2019-03-15. Review status: no assertion criteria provided. Collection method: clinical testing. Allele origin: germline.
Comment: This variant is classified as likely benign based on ACMG/AMP sequence variant interpretation guidelines (Richards et al. 2015 PMID: 25741868, with internal and published modifications).